The following is an entry in ClinVar:

ClinVar aggregate classification (germline): Conflicting classifications of pathogenicity. Review status: criteria provided, conflicting classifications (1 of 4 stars). 8 submissions from 8 submitters: Uncertain significance (4); Likely benign (1). 3 of the submissions do not count toward it. Last evaluated 2024-12-01.

Conditions:
Cholestanol storage disease (CTX). Also called: CTX: Cerebrotendinous xanthomatosis; Cerebrotendinous Xanthomatosis; CEREBRAL CHOLESTERINOSIS. Identifiers: Orphanet 909, MedGen C0238052, MONDO:0008948, OMIM 213700.
Cardiovascular phenotype. Identifiers: MedGen CN230736.

Allele frequency attached by ClinVar (database versions not stated): TOPMed 0.00004.
gnomAD v4.1: 67 of 1,614,104 alleles (0.0042%); highest among the groups gnomAD compares: South Asian, 0.025%; no homozygotes.

Submissions (8):

CeGaT Center for Human Genetics Tuebingen
Classification: Uncertain significance. Last evaluated: 2024-12-01. Review status: criteria provided, single submitter. Criteria: CeGaT Center For Human Genetics Tuebingen Variant Classification Criteria Version 2. Collection method: clinical testing. Allele origin: germline. Affected: yes. Observed: 1 variant allele.
Comment: CYP27A1: PM2, BP4

Mayo Clinic Laboratories, Mayo Clinic
Classification: Uncertain significance. Last evaluated: 2024-08-12. Review status: criteria provided, single submitter. Criteria: ACMG Guidelines, 2015. Collection method: clinical testing. Allele origin: germline. Observed: 1 variant allele.
Comment: BP4

Ambry Genetics
Classification: Likely benign for Cardiovascular phenotype. Last evaluated: 2024-02-08. Review status: criteria provided, single submitter. Criteria: Ambry Variant Classification Scheme 2023. Collection method: clinical testing. Allele origin: germline.

Labcorp Genetics (formerly Invitae), Labcorp
Classification: Uncertain significance for Cholestanol storage disease. Last evaluated: 2022-11-01. Review status: criteria provided, single submitter. Criteria: Invitae Variant Classification Sherloc (09022015). Collection method: clinical testing. Allele origin: germline.
Comment: This sequence change replaces threonine, which is neutral and polar, with methionine, which is neutral and non-polar, at codon 505 of the CYP27A1 protein (p.Thr505Met). This variant is present in population databases (rs76822427, gnomAD 0.05%). This variant has not been reported in the literature in individuals affected with CYP27A1-related conditions. ClinVar contains an entry for this variant (Variation ID: 858497). Advanced modeling of protein sequence and biophysical properties (such as structural, functional, and spatial information, amino acid conservation, physicochemical variation, residue mobility, and thermodynamic stability) performed at Invitae indicates that this missense variant is not expected to disrupt CYP27A1 protein function. In summary, the available evidence is currently insufficient to determine the role of this variant in disease. Therefore, it has been classified as a Variant of Uncertain Significance.

Illumina Laboratory Services, Illumina
Classification: Uncertain significance for Cholestanol storage disease. Last evaluated: 2018-01-13. Review status: criteria provided, single submitter. Criteria: ICSL Variant Classification Criteria 13 December 2019. Collection method: clinical testing. Allele origin: germline.

Natera, Inc.
Classification: Uncertain significance for Cerebrotendinous xanthomatosis. Last evaluated: 2020-01-24. Review status: no assertion criteria provided. Collection method: clinical testing. Allele origin: germline. Not counted in ClinVar's aggregate classification.

Clinical Genetics DNA and cytogenetics Diagnostics Lab, Erasmus MC, Erasmus Medical Center
Classification: Likely benign. Review status: no assertion criteria provided. Collection method: clinical testing. Allele origin: germline. Affected: yes. Study: VKGL Data-share Consensus. Not counted in ClinVar's aggregate classification.

Clinical Genetics, Academic Medical Center
Classification: Likely benign. Review status: no assertion criteria provided. Collection method: clinical testing. Allele origin: germline. Affected: yes. Study: VKGL Data-share Consensus. Not counted in ClinVar's aggregate classification.

NM_000784.4(CYP27A1):c.1514C>T (p.Thr505Met)

Gene: CYP27A1 (cytochrome P450 family 27 subfamily A member 1; plus strand). Cytogenetic location: 2q35.
Variant type: single nucleotide variant.
Coding change: c.1514C>T on transcript NM_000784.4 (MANE Select); coding-DNA position 1514, C replaced by T.
Protein change: p.Thr505Met; replaces threonine 505 with methionine.
Molecular consequence: missense variant.
Genome position (GRCh38, 1-based): chr2:218,814,948, C>T. VCF-style: chr2-218814948-C-T. GRCh37 (hg19) VCF-style: chr2-219679671-C-T.
Other names: p.Thr505Met; short protein forms T505M.
Identifiers: ClinVar variation 858497 (VCV000858497.26), dbSNP rs76822427, ClinGen allele CA2112935.